The following is an entry in ClinVar:

ClinVar aggregate classification (germline): Likely benign (0 of 4 stars; one submission).

Conditions:
PKD1L1-related disorder. Also called: PKD1L1-related condition.

gnomAD v4.1: 6 of 1,606,954 alleles (0.00037%); highest among the groups gnomAD compares: East Asian, 0.0045%; no homozygotes.

Submission:

PreventionGenetics, part of Exact Sciences
Classification: Likely benign for PKD1L1-related condition. Last evaluated: 2024-08-19. Review status: no assertion criteria provided. Collection method: clinical testing. Allele origin: germline.
Comment: This variant is classified as likely benign based on ACMG/AMP sequence variant interpretation guidelines (Richards et al. 2015 PMID: 25741868, with internal and published modifications).

NM_138295.5(PKD1L1):c.7611C>T (p.His2537=)

Genes: PKD1L1 (polycystin 1 like 1, transient receptor potential channel interacting; minus strand), PKD1L1-AS1 (PKD1L1 antisense RNA 1; plus strand). Cytogenetic location: 7p12.3.
Variant type: single nucleotide variant.
Coding change: c.7611C>T on transcript NM_138295.5 (MANE Select); coding-DNA position 7611, C replaced by T.
Protein change: p.His2537=; no amino-acid change (histidine 2537 retained).
Molecular consequence: synonymous variant.
Genome position (GRCh38, 1-based): chr7:47,809,548, G>A on the plus strand (C>T on the coding strand, the complement: PKD1L1 is on the minus strand). VCF-style: chr7-47809548-G-A. GRCh37 (hg19) VCF-style: chr7-47849146-G-A.
Identifiers: ClinVar variation 3356359 (VCV003356359.1).